The following is an entry in ClinVar:

ClinVar aggregate classification (germline): Uncertain significance. Review status: criteria provided, multiple submitters, no conflicts (2 of 4 stars). 2 submissions from 2 submitters: Uncertain significance (2). Last evaluated 2024-01-29.

Conditions:
Potassium-aggravated myotonia. Also called: Myotonia congenita, atypical, acetazolamide-responsive; MYOTONIA CONGENITA, ACETAZOLAMIDE-RESPONSIVE; MYOTONIA CONGENITA, ATYPICAL; SODIUM CHANNEL MUSCLE DISEASE. Identifiers: Orphanet 612, Orphanet 99734, Orphanet 99735, Orphanet 99736, MedGen C2931826, MONDO:0018959, OMIM 608390.
Congenital myasthenic syndrome 16. Identifiers: Orphanet 590, MedGen C3280112, MONDO:0013620, OMIM 614198.
Paramyotonia congenita of Von Eulenburg. Also called: Paramyotonia Congenita; PARALYSIS PERIODICA PARAMYOTONICA; Eulenburg disease; Myotonia congenita intermittens; Von Eulenburg paramyotonia congenita. Identifiers: Orphanet 684, MedGen C0221055, MONDO:0008195, OMIM 168300. Disease mechanism: loss of function.
Hypokalemic periodic paralysis, type 2 (HOKPP2). Identifiers: Orphanet 681, MedGen C2750061, MONDO:0013234, OMIM 613345.
Hypokalemic periodic paralysis, type 1. Also called: Hypokalemic Periodic Paralysis Type 1 (AD); HypoPP. Identifiers: Orphanet 681, MedGen C3714580, MONDO:0042979, OMIM 170400.
Hyperkalemic periodic paralysis. Also called: Familial hyperkalemic periodic paralysis; Gamstorp disease. Identifiers: Orphanet 682, MedGen C0238357, MONDO:0008224, OMIM 170500, HP:0007215.

Allele frequency attached by ClinVar (database versions not stated): gnomAD 0.00001 and below 0.00001.
gnomAD v4.1: 1 of 1,613,732 alleles (0.000062%); highest among the groups gnomAD compares: South Asian, 0.0011%; no homozygotes.

Submissions (2):

Labcorp Genetics (formerly Invitae), Labcorp
Classification: Uncertain significance for Hyperkalemic periodic paralysis. Last evaluated: 2024-01-29. Review status: criteria provided, single submitter. Criteria: Invitae Variant Classification Sherloc (09022015). Collection method: clinical testing. Allele origin: germline.
Comment: This sequence change replaces isoleucine, which is neutral and non-polar, with valine, which is neutral and non-polar, at codon 571 of the SCN4A protein (p.Ile571Val). This variant is not present in population databases (gnomAD no frequency). This variant has not been reported in the literature in individuals affected with SCN4A-related conditions. ClinVar contains an entry for this variant (Variation ID: 963232). Advanced modeling of protein sequence and biophysical properties (such as structural, functional, and spatial information, amino acid conservation, physicochemical variation, residue mobility, and thermodynamic stability) performed at Invitae indicates that this missense variant is not expected to disrupt SCN4A protein function with a negative predictive value of 95%. In summary, the available evidence is currently insufficient to determine the role of this variant in disease. Therefore, it has been classified as a Variant of Uncertain Significance.

Fulgent Genetics
Classification: Uncertain significance for Paramyotonia congenita of Von Eulenburg; Hypokalemic periodic paralysis, type 1; Hyperkalemic periodic paralysis; Potassium-aggravated myotonia; Hypokalemic periodic paralysis, type 2; Congenital myasthenic syndrome 16. Last evaluated: 2021-10-12. Review status: criteria provided, single submitter. Criteria: ACMG Guidelines, 2015. Collection method: clinical testing. Allele origin: unknown.

NM_000334.4(SCN4A):c.1711A>G (p.Ile571Val)

Gene: SCN4A (sodium voltage-gated channel alpha subunit 4; minus strand). Cytogenetic location: 17q23.3.
Variant type: single nucleotide variant.
Coding change: c.1711A>G on transcript NM_000334.4 (MANE Select); coding-DNA position 1711, A replaced by G.
Protein change: p.Ile571Val; replaces isoleucine 571 with valine.
Molecular consequence: missense variant.
Genome position (GRCh38, 1-based): chr17:63,961,327, T>C on the plus strand (A>G on the coding strand, the complement: SCN4A is on the minus strand). VCF-style: chr17-63961327-T-C. GRCh37 (hg19) VCF-style: chr17-62038687-T-C.
Other names: short protein forms I571V.
Identifiers: ClinVar variation 963232 (VCV000963232.11), dbSNP rs1703227330, ClinGen allele CA400633441.